The following is an entry in ClinVar:

ClinVar aggregate classification (germline): Uncertain significance (1 of 4 stars; one submission).

Conditions:
MicroRNA processor tumor predisposition syndrome.

gnomAD v4.1: 1 of 1,613,872 alleles (0.000062%); highest among the groups gnomAD compares: Non-Finnish European, 0.000085%; no homozygotes.

Submission:

Institute for Genomic Medicine (IGM) Clinical Laboratory, Nationwide Children's Hospital
Classification: Uncertain significance for MicroRNA processor tumor predisposition syndrome. Last evaluated: 2025-01-28. Review status: criteria provided, single submitter. Criteria: ACMG Guidelines, 2015. Collection method: clinical testing. Allele origin: germline.
Comment: This variant is absent from or present at an exceedingly low frequency in gnomAD, a large-scale control population database (ACMG/AMP: PM2).

NM_001382508.1(DROSHA):c.1569G>A (p.Trp523Ter)

Gene: DROSHA (drosha ribonuclease III; minus strand). Cytogenetic location: 5p13.3.
Variant type: single nucleotide variant.
Coding change: c.1569G>A on transcript NM_001382508.1 (MANE Select); coding-DNA position 1569, G replaced by A.
Protein change: p.Trp523Ter; replaces tryptophan 523 with a stop codon.
Molecular consequence: nonsense.
Genome position (GRCh38, 1-based): chr5:31,508,639, C>T on the plus strand (G>A on the coding strand, the complement: DROSHA is on the minus strand). VCF-style: chr5-31508639-C-T. GRCh37 (hg19) VCF-style: chr5-31508746-C-T.
Other names: c.1458G>A, p.Trp486Ter (NM_001100412.2); c.1569G>A, p.Trp523Ter (NM_013235.5); short protein forms W486*, W523*.
Identifiers: ClinVar variation 4759284 (VCV004759284.1).